The following is an entry in ClinVar:

ClinVar aggregate classification (germline): Uncertain significance. Review status: criteria provided, multiple submitters, no conflicts (2 of 4 stars). 2 submissions from 2 submitters: Uncertain significance (2). Last evaluated 2024-01-04.

Allele frequency attached by ClinVar (database versions not stated): gnomAD exomes 0.00001 and 0.00007; gnomAD 0.00003; ExAC 0.00006; ESP Exome Variant Server 0.00008; TOPMed 0.00010.
gnomAD v4.1: 34 of 1,613,538 alleles (0.0021%); highest among the groups gnomAD compares: East Asian, 0.045%; no homozygotes.

Submissions (2):

Blueprint Genetics
Classification: Uncertain significance. Last evaluated: 2024-01-04. Review status: criteria provided, single submitter. Criteria: ACMG Guidelines, 2015. Collection method: clinical testing. Allele origin: germline.

Labcorp Genetics (formerly Invitae), Labcorp
Classification: Uncertain significance. Last evaluated: 2023-10-06. Review status: criteria provided, single submitter. Criteria: Invitae Variant Classification Sherloc (09022015). Collection method: clinical testing. Allele origin: germline.
Comment: This sequence change replaces threonine, which is neutral and polar, with serine, which is neutral and polar, at codon 807 of the KIAA1549 protein (p.Thr807Ser). This variant is present in population databases (rs371582835, gnomAD 0.08%). This missense change has been observed in individual(s) with retinitis pigmentosa (PMID: 24938718). ClinVar contains an entry for this variant (Variation ID: 841435). Algorithms developed to predict the effect of missense changes on protein structure and function output the following: SIFT: "Not Available"; PolyPhen-2: "Benign"; Align-GVGD: "Not Available". The serine amino acid residue is found in multiple mammalian species, which suggests that this missense change does not adversely affect protein function. In summary, the available evidence is currently insufficient to determine the role of this variant in disease. Therefore, it has been classified as a Variant of Uncertain Significance.

Literature cited by the submitters: PubMed 24938718 (cited by Labcorp Genetics (formerly Invitae), Labcorp).

NM_001164665.2(KIAA1549):c.2419A>T (p.Thr807Ser)

Gene: KIAA1549 (KIAA1549; minus strand). Cytogenetic location: 7q34.
Variant type: single nucleotide variant.
Coding change: c.2419A>T on transcript NM_001164665.2 (MANE Select); coding-DNA position 2419, A replaced by T.
Protein change: p.Thr807Ser; replaces threonine 807 with serine.
Molecular consequence: missense variant.
Genome position (GRCh38, 1-based): chr7:138,917,207, T>A on the plus strand (A>T on the coding strand, the complement: KIAA1549 is on the minus strand). VCF-style: chr7-138917207-T-A. GRCh37 (hg19) VCF-style: chr7-138601953-T-A.
Other names: c.2419A>T, p.Thr807Ser (NM_020910.3); short protein forms T807S.
Identifiers: ClinVar variation 841435 (VCV000841435.9), dbSNP rs371582835, ClinGen allele CA4506515.
Genomic context (GRCh38, chr7:138,917,207, plus strand): 5'-AGGCCAGGACAGACACGTGACCGTCTAGAGCACTGATTTGGTCGTCAGGAGGTGTCAGAG[T>A]TGAGAACAAAGAAGACTCAGTTAAAATGGGCGTTGTGTGGACAGTGGTCAATGGTGATGT-3'
Protein context (NP_001158137.1, residues 797-817): PILTESSLFS[Thr807Ser]LTPPDDQISA